The following is an entry in ClinVar:

NM_001308330.2(STXBP5L):c.2902G>A (p.Ala968Thr)

Gene: STXBP5L (syntaxin binding protein 5L; plus strand). Cytogenetic location: 3q13.33.
Variant type: single nucleotide variant.
Coding change: c.2902G>A on transcript NM_001308330.2 (MANE Select); coding-DNA position 2902, G replaced by A.
Protein change: p.Ala968Thr; replaces alanine 968 with threonine.
Molecular consequence: missense variant. On other transcripts: non-coding transcript variant (1).
Genome position (GRCh38, 1-based): chr3:121,407,557, G>A. VCF-style: chr3-121407557-G-A. GRCh37 (hg19) VCF-style: chr3-121126404-G-A.
Other names: c.2974G>A, p.Ala992Thr (NM_001348343.2, NM_014980.3); c.2902G>A, p.Ala968Thr (NM_001348344.2, NM_001348345.2); short protein forms A968T, A992T.
Identifiers: ClinVar variation 3051762 (VCV003051762.2), dbSNP rs190278242, ClinGen allele CA2561897.
Genomic context (GRCh38, chr3:121,407,557, plus strand): 5'-CATAACATCACGGAGACATCTTTTATACTGCAAGCAAATGTGGTGGTCATGTGTAGCAGT[G>A]CCTGCTTGGCATGCTTTTGTGCTAACGGACATATCATGATAATGAGGTACTTGCCTTCTT-3'
Protein context (NP_001295259.1, residues 958-978): QANVVVMCSS[Ala968Thr]CLACFCANGH

ClinVar aggregate classification (germline): Likely benign (0 of 4 stars; one submission).

Conditions:
STXBP5L-related disorder. Also called: STXBP5L-related condition.

Allele frequency attached by ClinVar (database versions not stated): gnomAD exomes 0.00012; ExAC 0.00027; 1000 Genomes Project 0.00060; 1000 Genomes Project 30x 0.00062; ESP Exome Variant Server 0.00098; gnomAD 0.00107; TOPMed 0.00125.
gnomAD v4.1: 329 of 1,613,346 alleles (0.02%); highest among the groups gnomAD compares: African/African-American, 0.41%; no homozygotes.

Submission:

PreventionGenetics, part of Exact Sciences
Classification: Likely benign for STXBP5L-related condition. Last evaluated: 2022-02-18. Review status: no assertion criteria provided. Collection method: clinical testing. Allele origin: germline.
Comment: This variant is classified as likely benign based on ACMG/AMP sequence variant interpretation guidelines (Richards et al. 2015 PMID: 25741868, with internal and published modifications).